The following is an entry in ClinVar:

ClinVar aggregate classification (germline): Uncertain significance (1 of 4 stars; one submission).

Conditions:
Hereditary cancer-predisposing syndrome. Also called: Hereditary Cancer Syndrome; Hereditary neoplastic syndrome; Neoplastic Syndromes, Hereditary; Tumor predisposition. Identifiers: Orphanet 140162, MedGen C0027672, MeSH D009386, MONDO:0015356.

Submission:

Ambry Genetics
Classification: Uncertain significance for Hereditary cancer-predisposing syndrome. Last evaluated: 2024-03-08. Review status: criteria provided, single submitter. Criteria: Ambry Variant Classification Scheme 2023. Collection method: clinical testing. Allele origin: germline.
Comment: The p.E1558V variant (also known as c.4673A>T), located in coding exon 29 of the ALK gene, results from an A to T substitution at nucleotide position 4673. The glutamic acid at codon 1558 is replaced by valine, an amino acid with dissimilar properties. This amino acid position is conserved. In addition, this alteration is predicted to be tolerated by in silico analysis. Since supporting evidence is limited at this time, the clinical significance of this alteration remains unclear.

NM_004304.5(ALK):c.4673A>T (p.Glu1558Val)

Gene: ALK (ALK receptor tyrosine kinase; minus strand). Cytogenetic location: 2p23.2.
Variant type: single nucleotide variant.
Coding change: c.4673A>T on transcript NM_004304.5 (MANE Select); coding-DNA position 4673, A replaced by T.
Protein change: p.Glu1558Val; replaces glutamic acid 1558 with valine.
Molecular consequence: missense variant.
Genome position (GRCh38, 1-based): chr2:29,193,414, T>A on the plus strand (A>T on the coding strand, the complement: ALK is on the minus strand). VCF-style: chr2-29193414-T-A. GRCh37 (hg19) VCF-style: chr2-29416280-T-A.
Other names: c.1469A>T, p.Glu490Val (NM_001353765.2); short protein forms E1558V, E490V.
Identifiers: ClinVar variation 1742341 (VCV001742341.2), dbSNP rs1668928402, ClinGen allele CA346460483.